The following is an entry in ClinVar:

NM_001042492.3(NF1):c.3746C>G (p.Ser1249Cys)

Gene: NF1 (neurofibromin 1; plus strand). Cytogenetic location: 17q11.2.
Variant type: single nucleotide variant.
Coding change: c.3746C>G on transcript NM_001042492.3 (MANE Select); coding-DNA position 3746, C replaced by G.
Protein change: p.Ser1249Cys; replaces serine 1249 with cysteine.
Molecular consequence: missense variant.
Genome position (GRCh38, 1-based): chr17:31,235,648, C>G. VCF-style: chr17-31235648-C-G. GRCh37 (hg19) VCF-style: chr17-29562666-C-G.
Other names: c.3746C>G, p.Ser1249Cys (NM_000267.4); short protein forms S1249C.
Identifiers: ClinVar variation 2878758 (VCV002878758.3), dbSNP rs1486537225, ClinGen allele CA398992446.

ClinVar aggregate classification (germline): Uncertain significance (1 of 4 stars; one submission).

Conditions:
Neurofibromatosis, type 1 (NF1). Also called: Peripheral type neurofibromatosis; Neurofibromatosis, type I; VON RECKLINGHAUSEN DISEASE; NEUROFIBROMATOSIS, TYPE I, SOMATIC. Identifiers: Orphanet 636, MedGen C0027831, MONDO:0018975, OMIM 162200. Disease mechanism: loss of function.

Submission:

Labcorp Genetics (formerly Invitae), Labcorp
Classification: Uncertain significance for Neurofibromatosis, type 1. Last evaluated: 2023-11-14. Review status: criteria provided, single submitter. Criteria: Invitae Variant Classification Sherloc (09022015). Collection method: clinical testing. Allele origin: germline.
Comment: This sequence change replaces serine, which is neutral and polar, with cysteine, which is neutral and slightly polar, at codon 1249 of the NF1 protein (p.Ser1249Cys). This variant is not present in population databases (gnomAD no frequency). This variant has not been reported in the literature in individuals affected with NF1-related conditions. Advanced modeling of protein sequence and biophysical properties (such as structural, functional, and spatial information, amino acid conservation, physicochemical variation, residue mobility, and thermodynamic stability) performed at Invitae indicates that this missense variant is expected to disrupt NF1 protein function with a positive predictive value of 95%. In summary, the available evidence is currently insufficient to determine the role of this variant in disease. Therefore, it has been classified as a Variant of Uncertain Significance.